The following is an entry in ClinVar:

ClinVar aggregate classification (germline): Pathogenic/Likely pathogenic. Review status: criteria provided, multiple submitters, no conflicts (2 of 4 stars). 5 submissions from 5 submitters: Pathogenic (1); Likely pathogenic (4). Last evaluated 2026-01-14.

Conditions:
Catecholaminergic polymorphic ventricular tachycardia 2. Also called: CASQ2-Related Catecholaminergic Polymorphic Ventricular Tachycardia; VENTRICULAR TACHYCARDIA, STRESS-INDUCED POLYMORPHIC 2. Identifiers: Orphanet 3286, MedGen C2677794, MONDO:0012762, OMIM 611938.
Catecholaminergic polymorphic ventricular tachycardia 1. Also called: VENTRICULAR TACHYCARDIA, CATECHOLAMINERGIC POLYMORPHIC, 1, WITH OR WITHOUT ATRIAL DYSFUNCTION AND/OR DILATED CARDIOMYOPATHY; RYR2-Related Catecholaminergic Polymorphic Ventricular Tachycardia; VENTRICULAR TACHYCARDIA, STRESS-INDUCED POLYMORPHIC 1. Identifiers: Orphanet 3286, MedGen C1631597, MONDO:0011484, OMIM 604772.
CASQ2-related disorder. Also called: CASQ2-related condition.
Catecholaminergic polymorphic ventricular tachycardia (CVPT). Also called: Catecholamine-induced polymorphic ventricular tachycardia. Identifiers: Orphanet 3286, MedGen C5574922, MONDO:0017990.

Allele frequency attached by ClinVar (database versions not stated): ExAC 0.00001; gnomAD exomes 0.00001.
gnomAD v4.1: 15 of 1,613,242 alleles (0.00093%); highest among the groups gnomAD compares: South Asian, 0.0022%; no homozygotes.

Submissions (5):

PreventionGenetics, part of Exact Sciences
Classification: Likely pathogenic for CASQ2-related condition. Last evaluated: 2026-01-14. Review status: criteria provided, single submitter. Criteria: ACMG Guidelines, 2015. Collection method: clinical testing. Allele origin: germline.
Comment: The CASQ2 c.98G>A variant is predicted to result in the amino acid substitution p.Arg33Gln. This variant has been reported in the homozygous state in at least two individuals with autosomal recessive catecholaminergic polymorphic ventricular tachycardia (CPVT; Terentyev et al. 2006. PubMed ID: 16601229; Li et al. 2019. PubMed ID: 31482657). In vitro studies have demonstrated that this variant negatively impacts CASQ2 polymerization and disrupts protein-protein interactions with the RyR2 channel complex, leading to dysregulated calcium ion release from the sarcoplasmic reticulum (Terentyev et al. 2006. PubMed ID: 16601229; Terentyev et al. 2008. PubMed ID: 18469084; Bal et al. 2010. PubMed ID: 20353949; Ng et al. 2020. PubMed ID: 32693635). Additionally, a knock-in mouse model homozygous for the p.Arg33Gln variant showed a complex arrhythmia phenotype strongly resembling CPVT in humans, including premature ventricular beats on resting ECG and stress-induced biventricular tachycardia (Rizzi et al. 2008. PubMed ID: 18583715). This variant is reported in 0.0033% of alleles in individuals of South Asian descent in gnomAD. Taken together, this variant is interpreted as likely pathogenic.

Labcorp Genetics (formerly Invitae), Labcorp
Classification: Pathogenic for Catecholaminergic polymorphic ventricular tachycardia 1. Last evaluated: 2024-11-04. Review status: criteria provided, single submitter. Criteria: Invitae Variant Classification Sherloc (09022015). Collection method: clinical testing. Allele origin: germline.
Comment: This sequence change replaces arginine, which is basic and polar, with glutamine, which is neutral and polar, at codon 33 of the CASQ2 protein (p.Arg33Gln). This variant is present in population databases (rs749547712, gnomAD 0.003%). This missense change has been observed in individuals with catecholaminergic polymorphic ventricular tachycardia (PMID: 16601229, 31482657, 32693635). ClinVar contains an entry for this variant (Variation ID: 862119). Invitae Evidence Modeling of protein sequence and biophysical properties (such as structural, functional, and spatial information, amino acid conservation, physicochemical variation, residue mobility, and thermodynamic stability) has been performed for this missense variant. However, the output from this modeling did not meet the statistical confidence thresholds required to predict the impact of this variant on CASQ2 protein function. Experimental studies have shown that this missense change affects CASQ2 function (PMID: 16601229, 17881003, 18469084, 18583715, 20353949, 21063088, 21265816). For these reasons, this variant has been classified as Pathogenic.

Lildballe Lab, Aarhus University Hospital
Classification: Likely pathogenic for catecholaminergic polymorphic ventricular tachycardia. Last evaluated: 2024-03-01. Review status: criteria provided, single submitter. Criteria: ACMG Guidelines, 2015. Collection method: research. Allele origin: germline. Affected: no.
Comment: PM3(sup), PS3(sup), PM2(sup), PM3(m), PP5(noinf)

Fulgent Genetics
Classification: Likely pathogenic for Catecholaminergic polymorphic ventricular tachycardia 2. Last evaluated: 2024-02-16. Review status: criteria provided, single submitter. Criteria: ACMG Guidelines, 2015. Collection method: clinical testing. Allele origin: germline.

Genome-Nilou Lab
Classification: Likely pathogenic for Catecholaminergic polymorphic ventricular tachycardia 2. Last evaluated: 2023-04-11. Review status: criteria provided, single submitter. Criteria: ACMG Guidelines, 2015. Collection method: clinical testing. Allele origin: germline. Affected: no.

Literature cited by the submitters: PubMed 16601229 (cited by Labcorp Genetics (formerly Invitae), Labcorp); PubMed 31482657 (cited by Labcorp Genetics (formerly Invitae), Labcorp); PubMed 32693635 (cited by Labcorp Genetics (formerly Invitae), Labcorp); PubMed 17881003 (cited by Labcorp Genetics (formerly Invitae), Labcorp); PubMed 18469084 (cited by Labcorp Genetics (formerly Invitae), Labcorp); PubMed 18583715 (cited by Labcorp Genetics (formerly Invitae), Labcorp); PubMed 20353949 (cited by Labcorp Genetics (formerly Invitae), Labcorp); PubMed 21063088 (cited by Labcorp Genetics (formerly Invitae), Labcorp); PubMed 21265816 (cited by Labcorp Genetics (formerly Invitae), Labcorp); PubMed 25741873 (cited by Lildballe Lab, Aarhus University Hospital); PubMed 39481677 (cited by Lildballe Lab, Aarhus University Hospital).

NM_001232.4(CASQ2):c.98G>A (p.Arg33Gln)

Gene: CASQ2 (calsequestrin 2; minus strand). Cytogenetic location: 1p13.1.
Variant type: single nucleotide variant.
Coding change: c.98G>A on transcript NM_001232.4 (MANE Select); coding-DNA position 98, G replaced by A.
Protein change: p.Arg33Gln; replaces arginine 33 with glutamine.
Molecular consequence: missense variant.
Genome position (GRCh38, 1-based): chr1:115,768,444, C>T on the plus strand (G>A on the coding strand, the complement: CASQ2 is on the minus strand). VCF-style: chr1-115768444-C-T. GRCh37 (hg19) VCF-style: chr1-116311065-C-T.
Other names: short protein forms R33Q.
Identifiers: ClinVar variation 862119 (VCV000862119.12), dbSNP rs749547712, ClinGen allele CA1023999.